The following is an entry in ClinVar:

ClinVar aggregate classification (germline): Pathogenic/Likely pathogenic. Review status: criteria provided, multiple submitters, no conflicts (2 of 4 stars). 6 submissions from 6 submitters: Pathogenic (2); Likely pathogenic (3). 1 of the submissions does not count toward it. Last evaluated 2025-07-17.

Conditions:
Hereditary ataxia. Also called: Hereditary Ataxias. Identifiers: Orphanet 183518, MedGen C0004138, MONDO:0100309, MONDO:0000557.
Spinocerebellar ataxia type 19/22 (SCA19). Also called: SPINOCEREBELLAR ATAXIA 22; SPINOCEREBELLAR ATAXIA 19. Identifiers: Orphanet 98772, MedGen C1846367, MONDO:0011819, OMIM 607346.
Cardiovascular phenotype. Identifiers: MedGen CN230736.

Allele frequency attached by ClinVar (database versions not stated): 1000 Genomes Project 30x 0.00016.

Submissions (6):

GeneDx
Classification: Pathogenic. Last evaluated: 2025-07-17. Review status: criteria provided, single submitter. Criteria: GeneDx Variant Classification Process June 2021. Collection method: clinical testing. Allele origin: germline.
Comment: Not observed at significant frequency in large population cohorts (gnomAD); In silico analysis supports that this missense variant has a deleterious effect on protein structure/function; This variant is associated with the following publications: (PMID: 28895081)

Women's Health and Genetics/Laboratory Corporation of America, LabCorp
Classification: Pathogenic for Spinocerebellar ataxia type 19/22. Last evaluated: 2024-10-17. Review status: criteria provided, single submitter. Criteria: LabCorp Variant Classification Summary - May 2015. Collection method: clinical testing. Allele origin: germline.
Comment: Variant summary: KCND3 c.1150G>A (p.Gly384Ser) results in a non-conservative amino acid change located in the Ion transport domain (IPR005821) of the encoded protein sequence. Five of five in-silico tools predict a damaging effect of the variant on protein function. The variant was absent in 251152 control chromosomes. c.1150G>A has been reported in the literature in heterozygous individuals affected with Spinocerebellar Ataxia Type 19/22 (Kurihara_2018, Avila-Jaque_2024). In at least one individual, the variant was de novo. These data indicate that the variant may be associated with disease. To our knowledge, no experimental evidence demonstrating an impact on protein function has been reported. The following publications have been ascertained in the context of this evaluation (PMID: 28895081, 38180701). ClinVar contains an entry for this variant (Variation ID: 995131). Based on the evidence outlined above, the variant was classified as pathogenic.

Ambry Genetics
Classification: Likely pathogenic for Cardiovascular phenotype. Last evaluated: 2024-04-26. Review status: criteria provided, single submitter. Criteria: Ambry Variant Classification Scheme 2023. Collection method: clinical testing. Allele origin: germline.
Comment: The c.1150G>A (p.G384S) alteration is located in exon 3 (coding exon 2) of the KCND3 gene. This alteration results from a G to A substitution at nucleotide position 1150, causing the glycine (G) at amino acid position 384 to be replaced by a serine (S). This variant was not reported in population-based cohorts in the Genome Aggregation Database (gnomAD). This variant has been determined to be the result of a de novo mutation in one individual with intellectual disability, early onset cerebellar ataxia, myoclonus, and dystonia (Kurihara, 2017). This amino acid position is highly conserved in available vertebrate species. This missense alteration is located in a region that has a low rate of benign missense variation (Lek, 2016; Firth, 2009). This alteration is predicted to be deleterious by in silico analysis. Based on the available evidence, this alteration is classified as likely pathogenic.

Athena Diagnostics
Classification: Likely pathogenic. Last evaluated: 2019-12-11. Review status: criteria provided, single submitter. Criteria: Athena Diagnostics Criteria. Collection method: clinical testing. Allele origin: unknown.
Comment: Not found in the total gnomAD dataset, and the data is high quality. Predicted to have a damaging effect on the protein.

Cambridge Genomics Laboratory, East Genomic Laboratory Hub, NHS Genomic Medicine Service
Classification: Likely pathogenic for Hereditary ataxia. Last evaluated: 2019-06-04. Review status: criteria provided, single submitter. Criteria: ACGS Best Practice Guidelines for Variant Classification in Rare Disease 2020. Collection method: clinical testing. Allele origin: germline. Affected: yes. Observed: 1 variant allele.

OMIM
Classification: Pathogenic for SPINOCEREBELLAR ATAXIA 19. Last evaluated: 2023-11-07. Review status: no assertion criteria provided. Collection method: literature only. Allele origin: germline. Not counted in ClinVar's aggregate classification.

Literature cited by the submitters: PubMed 38180701 (cited by Women's Health and Genetics/Laboratory Corporation of America, LabCorp); PubMed 28895081 (cited by 4 submitters).

NM_001378969.1(KCND3):c.1150G>A (p.Gly384Ser)

Gene: KCND3 (potassium voltage-gated channel subfamily D member 3; minus strand). Cytogenetic location: 1p13.2.
Variant type: single nucleotide variant.
Coding change: c.1150G>A on transcript NM_001378969.1 (MANE Select); coding-DNA position 1150, G replaced by A.
Protein change: p.Gly384Ser; replaces glycine 384 with serine.
Molecular consequence: missense variant.
Genome position (GRCh38, 1-based): chr1:111,787,063, C>T on the plus strand (G>A on the coding strand, the complement: KCND3 is on the minus strand). VCF-style: chr1-111787063-C-T. GRCh37 (hg19) VCF-style: chr1-112329685-C-T.
Other names: c.1150G>A, p.Gly384Ser (NM_001378970.1, NM_004980.5, NM_172198.3); short protein forms G384S.
Identifiers: ClinVar variation 995131 (VCV000995131.7), dbSNP rs1664632655, ClinGen allele CA341660870.